The following is an entry in ClinVar:

NM_004006.3(DMD):c.6967del (p.Gln2325fs)

Gene: DMD (dystrophin; minus strand). Cytogenetic location: Xp21.1.
Variant type: Deletion.
Coding change: c.6967del on transcript NM_004006.3 (MANE Select); coding-DNA position 6967, one base deleted (C; older notation c.6967delC).
Protein change: p.Gln2325fs; shifts the reading frame from glutamine 2325.
Molecular consequence: frameshift variant. On other transcripts: 5 prime UTR variant (5).
Genome position (GRCh38, 1-based): chrX:31,875,319, G deleted on the plus strand (C on the coding strand, the reverse complement: DMD is on the minus strand); the first of 2 consecutive G bases (chrX:31,875,319-31,875,320); deleting either gives the same sequence. VCF-style (leftmost placement, unchanged base first): chrX-31875318-AG-A. GRCh37 (hg19) VCF-style: chrX-31893435-AG-A.
Other names: c.6943del, p.Gln2317fs (NM_000109.4); c.6955del, p.Gln2321fs (NM_004009.3); c.6598del, p.Gln2202fs (NM_004010.3); c.2944del, p.Gln984fs (NM_004011.4); c.2935del, p.Gln981fs (NM_004012.4); c.-414del (NM_004013.3, NM_004020.4, NM_004021.3 and 2 more transcripts); short protein forms Q2202fs, Q2317fs, Q2321fs, Q981fs, Q2325fs, Q984fs.
Identifiers: ClinVar variation 2028220 (VCV002028220.4), dbSNP rs2532455962, ClinGen allele CA2580100600.

ClinVar aggregate classification (germline): Pathogenic (1 of 4 stars; one submission).

Conditions:
Duchenne muscular dystrophy (DMD). Also called: MUSCULAR DYSTROPHY, PSEUDOHYPERTROPHIC PROGRESSIVE, DUCHENNE TYPE; Duchenne Muscular Dystrophy (DMD). Identifiers: Orphanet 98896, MedGen C0013264, MONDO:0010679, OMIM 310200.

Submission:

Labcorp Genetics (formerly Invitae), Labcorp
Classification: Pathogenic for Duchenne muscular dystrophy. Last evaluated: 2022-08-31. Review status: criteria provided, single submitter. Criteria: Invitae Variant Classification Sherloc (09022015). Collection method: clinical testing. Allele origin: germline.
Comment: This sequence change creates a premature translational stop signal (p.Gln2325Serfs*13) in the DMD gene. It is expected to result in an absent or disrupted protein product. Loss-of-function variants in DMD are known to be pathogenic (PMID: 16770791, 25007885). This variant is not present in population databases (gnomAD no frequency). This variant has not been reported in the literature in individuals affected with DMD-related conditions. For these reasons, this variant has been classified as Pathogenic.

Literature cited by the submitters: PubMed 16770791; PubMed 25007885.